The following is an entry in ClinVar:

NM_014738.6(TMEM94):c.1626C>G (p.Tyr542Ter)

Gene: TMEM94 (transmembrane protein 94; plus strand). Cytogenetic location: 17q25.1.
Variant type: single nucleotide variant.
Coding change: c.1626C>G on transcript NM_014738.6 (MANE Select); coding-DNA position 1626, C replaced by G.
Protein change: p.Tyr542Ter; replaces tyrosine 542 with a stop codon.
Molecular consequence: nonsense.
Genome position (GRCh38, 1-based): chr17:75,492,503, C>G. VCF-style: chr17-75492503-C-G. GRCh37 (hg19) VCF-style: chr17-73488584-C-G.
Other names: c.1656C>G, p.Tyr552Ter (NM_001321148.2, NM_001351203.2); c.1638C>G, p.Tyr546Ter (NM_001321149.2, NM_001438842.1, NM_001438845.1); c.1578C>G, p.Tyr526Ter (NM_001351202.2); c.1626C>G, p.Tyr542Ter (NM_001438841.1, NM_001438844.1, NM_001438847.1); c.1668C>G, p.Tyr556Ter (NM_001438843.1); c.1608C>G, p.Tyr536Ter (NM_001438846.1); c.1590C>G, p.Tyr530Ter (NM_001438848.1); short protein forms Y526*, Y530*, Y536*, Y542*, Y546*, Y552*, Y556*.
Identifiers: ClinVar variation 5019511 (VCV005019511.2).

ClinVar aggregate classification (germline): Likely pathogenic (1 of 4 stars; one submission).

Conditions:
Intellectual developmental disorder with cardiac defects and dysmorphic facies (IDDCDF). Identifiers: Orphanet 562569, MedGen C5193024, MONDO:0032672, OMIM 618316.

Submission:

Juno Genomics, Hangzhou Juno Genomics, Inc
Classification: Likely pathogenic for Intellectual developmental disorder with cardiac defects and dysmorphic facies. Review status: criteria provided, single submitter. Criteria: ACMG Guidelines, 2015. Collection method: clinical testing. Allele origin: germline.
Comment: Absent from controls (or at extremely low frequency if recessive) in Genome Aggregation Database.;Null variant in a gene where loss of function (LOF) is a known mechanism of disease.